The following is an entry in ClinVar:

ClinVar aggregate classification (germline): Benign. Review status: criteria provided, multiple submitters, no conflicts (2 of 4 stars). 4 submissions from 4 submitters: Benign (3). 1 of the submissions does not count toward it. Last evaluated 2026-01-15.

Conditions:
Congenital stromal corneal dystrophy (CSCD). Identifiers: Orphanet 101068, MedGen C1864738, MONDO:0012401, OMIM 610048.
DCN-related disorder. Also called: DCN-related condition.

Allele frequency attached by ClinVar (database versions not stated): ESP Exome Variant Server 0.00054; gnomAD exomes 0.00262 and 0.01155; gnomAD 0.00605 and 0.00616; 1000 Genomes Project 0.00739; ExAC 0.00807; 1000 Genomes Project 30x 0.00812; TOPMed 0.01004.

Submissions (4):

Labcorp Genetics (formerly Invitae), Labcorp
Classification: Benign. Last evaluated: 2026-01-15. Review status: criteria provided, single submitter. Criteria: Invitae Variant Classification Sherloc (09022015). Collection method: clinical testing. Allele origin: germline.

Illumina Laboratory Services, Illumina
Classification: Benign for Congenital stromal corneal dystrophy. Last evaluated: 2018-01-13. Review status: criteria provided, single submitter. Criteria: ICSL Variant Classification Criteria 13 December 2019. Collection method: clinical testing. Allele origin: germline.
Comment: This variant was observed in the ICSL laboratory as part of a predisposition screen in an ostensibly healthy population. It had not been previously curated by ICSL or reported in the Human Gene Mutation Database (HGMD: prior to June 1st, 2018), and was therefore a candidate for classification through an automated scoring system. Utilizing variant allele frequency, disease prevalence and penetrance estimates, and inheritance mode, an automated score was calculated to assess if this variant is too frequent to cause the disease. Based on the score and internal cut-off values, a variant classified as benign is not then subjected to further curation. The score for this variant resulted in a classification of benign for this disease.

Breakthrough Genomics
Classification: Benign. Review status: criteria provided, single submitter. Criteria: ACMG Guidelines, 2015. Collection method: not provided. Allele origin: germline. Inheritance: Autosomal dominant inheritance. Affected: yes.

PreventionGenetics, part of Exact Sciences
Classification: Benign for DCN-related condition. Last evaluated: 2019-12-10. Review status: no assertion criteria provided. Collection method: clinical testing. Allele origin: germline. Not counted in ClinVar's aggregate classification.
Comment: This variant is classified as benign based on ACMG/AMP sequence variant interpretation guidelines (Richards et al. 2015 PMID: 25741868, with internal and published modifications).

NM_001920.5(DCN):c.424A>G (p.Lys142Glu)

Gene: DCN (decorin; minus strand). Cytogenetic location: 12q21.33.
Variant type: single nucleotide variant.
Coding change: c.424A>G on transcript NM_001920.5 (MANE Select); coding-DNA position 424, A replaced by G.
Protein change: p.Lys142Glu; replaces lysine 142 with glutamic acid.
Molecular consequence: missense variant. On other transcripts: intron variant (4).
Genome position (GRCh38, 1-based): chr12:91,158,410, T>C on the plus strand (A>G on the coding strand, the complement: DCN is on the minus strand). VCF-style: chr12-91158410-T-C. GRCh37 (hg19) VCF-style: chr12-91552187-T-C.
Other names: c.424A>G, p.Lys142Glu (NM_133503.4); c.212-12158A>G (NM_133507.3); c.212-5221A>G (NM_133505.3); c.212-1222A>G (NM_133504.3); c.324+6195A>G (NM_133506.3); short protein forms K142E.
Identifiers: ClinVar variation 310659 (VCV000310659.16), dbSNP rs142752401, ClinGen allele CA6717065.
Genomic context (GRCh38, chr12:91,158,410, plus strand): 5'-TCTCATTCTCATGGGCACGCAGCTCCTGAAGAGTTTTGGGCATTTTTTCTGGCAATTCCT[T>C]CAGCTGATTCTTGGACAGATAAAGTCGTTCCAACTTCACCAAAGGTGTAAATGCTCCAGG-3'
Protein context (NP_001911.1, residues 132-152): ERLYLSKNQL[Lys142Glu]ELPEKMPKTL